The following is an entry in ClinVar:

NM_003919.3(SGCE):c.1027C>G (p.Arg343Gly)

Genes: CASD1 (CAS1 domain sialic acid O acetyltransferase 1; plus strand), SGCE (sarcoglycan epsilon; minus strand). Cytogenetic location: 7q21.3.
Variant type: single nucleotide variant.
Coding change: c.1027C>G on transcript NM_003919.3 (MANE Select); coding-DNA position 1027, C replaced by G.
Protein change: p.Arg343Gly; replaces arginine 343 with glycine.
Molecular consequence: missense variant.
Genome position (GRCh38, 1-based): chr7:94,600,656, G>C on the plus strand (C>G on the coding strand, the complement: SGCE is on the minus strand). VCF-style: chr7-94600656-G-C. GRCh37 (hg19) VCF-style: chr7-94229968-G-C.
Other names: c.1027C>G, p.Arg343Gly (NM_001099400.2, NM_001099401.2, NM_001346717.2); c.904C>G, p.Arg302Gly (NM_001301139.2, NM_001362809.2); c.1135C>G, p.Arg379Gly (NM_001346713.2, NM_001346715.2); c.940C>G, p.Arg314Gly (NM_001346719.2, NM_001362807.2); c.754C>G, p.Arg252Gly (NM_001346720.2, NM_001362808.2); short protein forms R302G, R314G, R252G, R343G, R379G.
Identifiers: ClinVar variation 3667346 (VCV003667346.2).

ClinVar aggregate classification (germline): Uncertain significance (1 of 4 stars; one submission).

Conditions:
Myoclonic dystonia 11 (DYT11). Also called: Myoclonic dystonia; Dystonia 11; Dystonia, alcohol responsive; Hereditary essential myoclonus; SGCE Myoclonus-Dystonia; Myoclonus-Dystonia. Identifiers: Orphanet 36899, MedGen C1834570, MONDO:0008044, OMIM 159900.

Submission:

Labcorp Genetics (formerly Invitae), Labcorp
Classification: Uncertain significance for Myoclonic dystonia 11. Last evaluated: 2024-09-25. Review status: criteria provided, single submitter. Criteria: Invitae Variant Classification Sherloc (09022015). Collection method: clinical testing. Allele origin: germline.
Comment: This sequence change replaces arginine, which is basic and polar, with glycine, which is neutral and non-polar, at codon 343 of the SGCE protein (p.Arg343Gly). This variant is not present in population databases (gnomAD no frequency). This variant has not been reported in the literature in individuals affected with SGCE-related conditions. Invitae Evidence Modeling of protein sequence and biophysical properties (such as structural, functional, and spatial information, amino acid conservation, physicochemical variation, residue mobility, and thermodynamic stability) indicates that this missense variant is expected to disrupt SGCE protein function with a positive predictive value of 80%. In summary, the available evidence is currently insufficient to determine the role of this variant in disease. Therefore, it has been classified as a Variant of Uncertain Significance.